The following is an entry in ClinVar:

NM_012418.4(FSCN2):c.1378G>A (p.Ala460Thr)

Gene: FSCN2 (fascin actin-bundling protein 2, retinal; plus strand). Cytogenetic location: 17q25.3.
Variant type: single nucleotide variant.
Coding change: c.1378G>A on transcript NM_012418.4 (MANE Select); coding-DNA position 1378, G replaced by A.
Protein change: p.Ala460Thr; replaces alanine 460 with threonine.
Molecular consequence: missense variant.
Genome position (GRCh38, 1-based): chr17:81,536,979, G>A. VCF-style: chr17-81536979-G-A. GRCh37 (hg19) VCF-style: chr17-79504005-G-A.
Other names: c.1450G>A, p.Ala484Thr (NM_001077182.3); short protein forms A460T, A484T.
Identifiers: ClinVar variation 1388729 (VCV001388729.6), dbSNP rs906383105, ClinGen allele CA295085840.
Genomic context (GRCh38, chr17:81,536,979, plus strand): 5'-TGCAGCGACGGCGAACGCGCCGAGGACTTCGTCTTCGAGTTCCGTGAGCGCGGCCGCCTG[G>A]CCATCCGCGCCCGGAGCGGCAAGTACCTGCGCGGCGGCGCCTCGGGCCTGCTGCGGGCCG-3'
Protein context (NP_036550.1, residues 450-470): VFEFRERGRL[Ala460Thr]IRARSGKYLR

ClinVar aggregate classification (germline): Uncertain significance (1 of 4 stars; one submission).

Allele frequency attached by ClinVar (database versions not stated): TOPMed below 0.00001; gnomAD exomes 0.00001.

Submission:

Labcorp Genetics (formerly Invitae), Labcorp
Classification: Uncertain significance. Last evaluated: 2023-08-10. Review status: criteria provided, single submitter. Criteria: Invitae Variant Classification Sherloc (09022015). Collection method: clinical testing. Allele origin: germline.
Comment: This variant has not been reported in the literature in individuals affected with FSCN2-related conditions. In summary, the available evidence is currently insufficient to determine the role of this variant in disease. Therefore, it has been classified as a Variant of Uncertain Significance. An algorithm developed to predict the effect of missense changes on protein structure and function (PolyPhen-2) suggests that this variant is likely to be disruptive. ClinVar contains an entry for this variant (Variation ID: 1388729). This variant is not present in population databases (gnomAD no frequency). This sequence change replaces alanine, which is neutral and non-polar, with threonine, which is neutral and polar, at codon 484 of the FSCN2 protein (p.Ala484Thr).